The following is an entry in ClinVar:

NM_001370466.1(NOD2):c.1352C>T (p.Ala451Val)

Gene: NOD2 (nucleotide binding oligomerization domain containing 2; plus strand). Cytogenetic location: 16q12.1.
Variant type: single nucleotide variant.
Coding change: c.1352C>T on transcript NM_001370466.1 (MANE Select); coding-DNA position 1352, C replaced by T.
Protein change: p.Ala451Val; replaces alanine 451 with valine.
Molecular consequence: missense variant. On other transcripts: non-coding transcript variant (1).
Genome position (GRCh38, 1-based): chr16:50,711,344, C>T. VCF-style: chr16-50711344-C-T. GRCh37 (hg19) VCF-style: chr16-50745255-C-T.
Other names: c.1352C>T, p.Ala451Val (NM_001293557.2); c.1433C>T, p.Ala478Val (NM_022162.3); short protein forms A451V, A478V.
Identifiers: ClinVar variation 1384360 (VCV001384360.6), dbSNP rs2150810483, ClinGen allele CA395868913.

ClinVar aggregate classification (germline): Uncertain significance (1 of 4 stars; one submission).

Conditions:
Blau syndrome (BLAUS). Also called: JABS SYNDROME; GRANULOMATOSIS, FAMILIAL JUVENILE SYSTEMIC; GRANULOMATOSIS, FAMILIAL, BLAU TYPE; GRANULOMATOUS INFLAMMATORY ARTHRITIS, DERMATITIS, AND UVEITIS, FAMILIAL; ARTHROCUTANEOUVEAL GRANULOMATOSIS. Identifiers: Orphanet 90340, MedGen C5201146, MONDO:0008523, OMIM 186580.
Regional enteritis. Also called: Enteritis, Granulomatous. Identifiers: MedGen C0678202, MeSH D003424.

Submission:

Labcorp Genetics (formerly Invitae), Labcorp
Classification: Uncertain significance for Regional enteritis; Blau syndrome. Last evaluated: 2021-11-11. Review status: criteria provided, single submitter. Criteria: Invitae Variant Classification Sherloc (09022015). Collection method: clinical testing. Allele origin: germline.
Comment: In summary, the available evidence is currently insufficient to determine the role of this variant in disease. Therefore, it has been classified as a Variant of Uncertain Significance. Advanced modeling of protein sequence and biophysical properties (such as structural, functional, and spatial information, amino acid conservation, physicochemical variation, residue mobility, and thermodynamic stability) performed at Invitae indicates that this missense variant is not expected to disrupt NOD2 protein function. This variant has not been reported in the literature in individuals affected with NOD2-related conditions. This variant is not present in population databases (gnomAD no frequency). This sequence change replaces alanine, which is neutral and non-polar, with valine, which is neutral and non-polar, at codon 478 of the NOD2 protein (p.Ala478Val).